The following is an entry in ClinVar:

NM_170606.3(KMT2C):c.5444G>A (p.Gly1815Asp)

Gene: KMT2C (lysine methyltransferase 2C; minus strand). Cytogenetic location: 7q36.1.
Variant type: single nucleotide variant.
Coding change: c.5444G>A on transcript NM_170606.3 (MANE Select); coding-DNA position 5444, G replaced by A.
Protein change: p.Gly1815Asp; replaces glycine 1815 with aspartic acid.
Molecular consequence: missense variant.
Genome position (GRCh38, 1-based): chr7:152,182,416, C>T on the plus strand (G>A on the coding strand, the complement: KMT2C is on the minus strand). VCF-style: chr7-152182416-C-T. GRCh37 (hg19) VCF-style: chr7-151879501-C-T.
Other names: short protein forms G1815D.
Identifiers: ClinVar variation 2637099 (VCV002637099.1), dbSNP rs199626335, ClinGen allele CA370098868.

ClinVar aggregate classification (germline): Uncertain significance (1 of 4 stars; one submission).

Conditions:
KMT2C-related disorder. Also called: KMT2C-related disorders; KMT2C-related condition.

Submission:

PreventionGenetics, part of Exact Sciences
Classification: Uncertain significance for KMT2C-related condition. Last evaluated: 2022-09-22. Review status: criteria provided, single submitter. Criteria: ACMG Guidelines, 2015. Collection method: clinical testing. Allele origin: germline.
Comment: The KMT2C c.5444G>A variant is predicted to result in the amino acid substitution p.Gly1815Asp. To our knowledge, this variant has not been reported in the literature or in a large population database, indicating this variant is rare. At this time, the clinical significance of this variant is uncertain due to the absence of conclusive functional and genetic evidence.